The following is an entry in ClinVar:

NM_015205.3(ATP11A):c.334-6T>A

Gene: ATP11A (ATPase phospholipid transporting 11A; plus strand). Cytogenetic location: 13q34.
Variant type: single nucleotide variant.
Coding change: c.334-6T>A on transcript NM_015205.3 (MANE Select); 6 bases into the intron before coding-DNA position 334, T replaced by A.
Molecular consequence: intron variant.
Genome position (GRCh38, 1-based): chr13:112,810,613, T>A. VCF-style: chr13-112810613-T-A. GRCh37 (hg19) VCF-style: chr13-113464927-T-A.
Other names: NC_000013.10:g.113464927T>A; c.334-6T>A (NM_032189.4).
Identifiers: ClinVar variation 710232 (VCV000710232.30), dbSNP rs41288626, ClinGen allele CA7056323.
Genomic context (GRCh38, chr13:112,810,613, plus strand): 5'-CCCTCCCTTTCTCCTCCTTCCCTCTCTCCCTGCTTCCTCTCTCCCTTCTTTCCTTCCTTT[T>A]TTTAGGGTTATGAAGACTGGCTTCGACATAAAGCAGACAATGCCATGAACCAGTGTCCTG-3'

ClinVar aggregate classification (germline): Benign/Likely benign. Review status: criteria provided, multiple submitters, no conflicts (2 of 4 stars). 3 submissions from 3 submitters: Benign (2); Likely benign (1). Last evaluated 2026-08-01.

Allele frequency attached by ClinVar (database versions not stated): 1000 Genomes Project 0.00180; 1000 Genomes Project 30x 0.00265; TOPMed 0.00520; gnomAD 0.00578 and 0.00612; ESP Exome Variant Server 0.00623; ExAC 0.00642; gnomAD exomes 0.00668 and 0.00722.
gnomAD v4.1: 11,395 of 1,612,874 alleles (0.71%); highest among the groups gnomAD compares: Middle Eastern, 1.2%; 55 homozygotes.

Submissions (7):

CeGaT Center for Human Genetics Tuebingen
Classification: Likely benign. Last evaluated: 2026-08-01. Review status: criteria provided, single submitter. Criteria: CeGaT Center For Human Genetics Tuebingen Variant Classification Criteria Version 2. Collection method: clinical testing. Allele origin: germline. Affected: yes. Observed: 12 variant alleles.
Comment: ATP11A: BP4, BS2

Labcorp Genetics (formerly Invitae), Labcorp
Classification: Benign. Last evaluated: 2019-12-31. Review status: criteria provided, single submitter. Criteria: Invitae Variant Classification Sherloc (09022015). Collection method: clinical testing. Allele origin: germline.

Breakthrough Genomics
Classification: Benign. Review status: criteria provided, single submitter. Criteria: ACMG Guidelines, 2015. Collection method: not provided. Allele origin: germline. Inheritance: Autosomal dominant inheritance. Affected: yes.

Dr. Peter K. Rogan Lab, Western University
No classification provided (evidence only). Condition: Acute myeloid leukemia. Review status: no classification provided. Collection method: in vitro. Allele origin: not applicable. Functional consequence: retained intron. Not counted in ClinVar's aggregate classification.

Dr. Peter K. Rogan Lab, Western University
No classification provided (evidence only). Condition: Acute myeloid leukemia. Review status: no classification provided. Collection method: in vitro. Allele origin: not applicable. Functional consequence: retained intron. Not counted in ClinVar's aggregate classification.

Dr. Peter K. Rogan Lab, Western University
No classification provided (evidence only). Condition: Sarcoma. Review status: no classification provided. Collection method: in vitro. Allele origin: not applicable. Functional consequence: retained intron. Not counted in ClinVar's aggregate classification.

Dr. Peter K. Rogan Lab, Western University
No classification provided (evidence only). Condition: Gastric cancer. Review status: no classification provided. Collection method: in vitro. Allele origin: not applicable. Functional consequence: retained intron. Not counted in ClinVar's aggregate classification.